The following is an entry in ClinVar:

ClinVar aggregate classification (germline): Likely pathogenic. Review status: criteria provided, multiple submitters, no conflicts (2 of 4 stars). 2 submissions from 2 submitters: Likely pathogenic (2). Last evaluated 2025-01-09.

Conditions:
X-linked mixed hearing loss with perilymphatic gusher. Also called: Gusher syndrome; NANCE DEAFNESS; PERILYMPHATIC GUSHER-DEAFNESS SYNDROME; SENSORINEURAL DEAFNESS, PROFOUND, WITH OR WITHOUT A CONDUCTIVE COMPONENT, ASSOCIATED WITH A UNIQUE DEVELOPMENTAL ABNORMALITY OF THE EAR; Deafness, X-linked 2. Identifiers: Orphanet 383, MedGen C1844678, MONDO:0010576, OMIM 304400.

Submissions (2):

Institute of Rare Diseases, West China Hospital, Sichuan University
Classification: Likely pathogenic for X-linked mixed hearing loss with perilymphatic gusher. Last evaluated: 2025-01-09. Review status: criteria provided, single submitter. Criteria: ClinGen HL ACMG Specifications v1. Collection method: research. Allele origin: germline. Affected: yes.
Comment: PM1;PM3_Supporting;PP4;PM2_Supporting;PM4

Clinical Genetics Laboratory, Skane University Hospital Lund
Classification: Likely pathogenic. Last evaluated: 2022-05-27. Review status: criteria provided, single submitter. Criteria: ACMG Guidelines, 2015. Collection method: clinical testing. Allele origin: germline. Affected: yes.

NM_000307.5(POU3F4):c.608_610del (p.Gln203del)

Gene: POU3F4 (POU class 3 homeobox 4; plus strand). Cytogenetic location: Xq21.1.
Variant type: Deletion.
Coding change: c.608_610del on transcript NM_000307.5 (MANE Select); coding-DNA positions 608 to 610, 3 bases deleted (AAA; older notation c.608_610delAAA).
Protein change: p.Gln203del; deletes glutamine 203.
Molecular consequence: inframe indel (on NM_000307.4).
Genome position (GRCh38, 1-based): chrX:83,508,932-83,508,934, AAA deleted. VCF-style (leftmost placement, unchanged base first): chrX-83508931-CAAA-C. GRCh37 (hg19) VCF-style: chrX-82763939-CAAA-C.
Other names: c.608_610delAAA, p.Gln203del (NM_000307.4); short protein forms Q203del.
Identifiers: ClinVar variation 3337006 (VCV003337006.2).